The following is an entry in ClinVar:

ClinVar aggregate classification (germline): Uncertain significance (1 of 4 stars; one submission).

Conditions:
Hereditary sensory and autonomic neuropathy with spastic paraplegia (HSNSP). Identifiers: Orphanet 139578, MedGen C1850395, MONDO:0009748, OMIM 256840.

Submission:

Labcorp Genetics (formerly Invitae), Labcorp
Classification: Uncertain significance for Hereditary sensory and autonomic neuropathy with spastic paraplegia. Last evaluated: 2022-11-07. Review status: criteria provided, single submitter. Criteria: Invitae Variant Classification Sherloc (09022015). Collection method: clinical testing. Allele origin: germline.
Comment: In summary, the available evidence is currently insufficient to determine the role of this variant in disease. Therefore, it has been classified as a Variant of Uncertain Significance. This variant has not been reported in the literature in individuals affected with CCT5-related conditions. A gross deletion of the genomic region encompassing the full coding sequence of the CCT5 gene has been identified. The current clinical and genetic evidence is not sufficient to establish whether loss-of-function variants in CCT5 cause disease. The boundaries of this event are unknown as they extend beyond the assayed region for this gene and therefore may encompass additional genes.

NC_000005.9:g.(?_10250453)_(10264895_?)del

Gene: CCT5 (chaperonin containing TCP1 subunit 5; plus strand). Cytogenetic location: 5p15.2.
Variant type: Deletion.
Identifiers: ClinVar variation 2425756 (VCV002425756.3).